The following is an entry in ClinVar:

NM_001271938.2(MEGF8):c.3455C>T (p.Pro1152Leu)

Gene: MEGF8 (multiple EGF like domains 8; plus strand). Cytogenetic location: 19q13.2.
Variant type: single nucleotide variant.
Coding change: c.3455C>T on transcript NM_001271938.2 (MANE Select); coding-DNA position 3455, C replaced by T.
Protein change: p.Pro1152Leu; replaces proline 1152 with leucine.
Molecular consequence: missense variant.
Genome position (GRCh38, 1-based): chr19:42,353,032, C>T. VCF-style: chr19-42353032-C-T. GRCh37 (hg19) VCF-style: chr19-42857184-C-T.
Other names: c.3254C>T, p.Pro1085Leu (NM_001410.3); short protein forms P1085L, P1152L.
Identifiers: ClinVar variation 800184 (VCV000800184.37), dbSNP rs367649187, ClinGen allele CA9475000.

ClinVar aggregate classification (germline): Conflicting classifications of pathogenicity. Review status: criteria provided, conflicting classifications (1 of 4 stars). 3 submissions from 3 submitters: Uncertain significance (2); Likely benign (1). Last evaluated 2025-02-03.

Conditions:
MEGF8-related Carpenter syndrome. Also called: Carpenter syndrome 2. Identifiers: Orphanet 65759, MedGen C3554247, MONDO:0013998, OMIM 614976.

Allele frequency attached by ClinVar (database versions not stated): gnomAD exomes 0.00026; 1000 Genomes Project 30x 0.00031; 1000 Genomes Project 0.00040; ESP Exome Variant Server 0.00040; ExAC 0.00042; gnomAD 0.00083 and 0.00091; TOPMed 0.00094.
gnomAD v4.1: 239 of 1,556,328 alleles (0.015%); highest among the groups gnomAD compares: African/African-American, 0.26%; no homozygotes.

Submissions (3):

Labcorp Genetics (formerly Invitae), Labcorp
Classification: Likely benign for MEGF8-related Carpenter syndrome. Last evaluated: 2025-02-03. Review status: criteria provided, single submitter. Criteria: Invitae Variant Classification Sherloc (09022015). Collection method: clinical testing. Allele origin: germline.

CeGaT Center for Human Genetics Tuebingen
Classification: Uncertain significance. Last evaluated: 2022-06-01. Review status: criteria provided, single submitter. Criteria: CeGaT Center For Human Genetics Tuebingen Variant Classification Criteria Version 2. Collection method: clinical testing. Allele origin: germline. Affected: yes. Observed: 1 variant allele.

GeneDx
Classification: Uncertain significance. Last evaluated: 2021-10-12. Review status: criteria provided, single submitter. Criteria: GeneDx Variant Classification Process June 2021. Collection method: clinical testing. Allele origin: germline. Affected: yes.
Comment: Has not been previously published as pathogenic or benign to our knowledge; In silico analysis supports that this missense variant does not alter protein structure/function